The following is an entry in ClinVar:

ClinVar aggregate classification (germline): Conflicting classifications of pathogenicity. Review status: criteria provided, conflicting classifications (1 of 4 stars). 12 submissions from 6 submitters: Uncertain significance (8); Benign (2); Likely benign (2). Last evaluated 2026-03-27.

Conditions:
Myopathy, myofibrillar, 9, with early respiratory failure (MFM9). Also called: Myopathy, distal, with early respiratory failure, autosomal dominant; EDSTROM MYOPATHY; Hereditary myopathy with early respiratory failure; MYOPATHY, PROXIMAL, WITH EARLY RESPIRATORY MUSCLE INVOLVEMENT. Identifiers: Orphanet 178464, Orphanet 34521, MedGen C1863599, MONDO:0011362, OMIM 603689.
Tibial muscular dystrophy (TMD). Also called: Udd Distal Myopathy – Tibial Muscular Dystrophy; UDD MYOPATHY; Tibial muscular dystrophy, tardive. Identifiers: Orphanet 609, MedGen C1838244, MONDO:0010870, OMIM 600334.
Early-onset myopathy with fatal cardiomyopathy (CMYO5). Also called: CONGENITAL MYOPATHY 5 WITH CARDIOMYOPATHY; Salih Myopathy. Identifiers: Orphanet 289377, MedGen C2673677, MONDO:0012714, OMIM 611705. Disease mechanism: loss of function.
Autosomal recessive limb-girdle muscular dystrophy type 2J (LGMDR10). Also called: MUSCULAR DYSTROPHY, LIMB-GIRDLE, AUTOSOMAL RECESSIVE 10; Limb-girdle muscular dystrophy, type 2J. Identifiers: Orphanet 140922, MedGen C1837342, MONDO:0012127, OMIM 608807.
Dilated cardiomyopathy 1G (CMD1G). Identifiers: Orphanet 154, MedGen C1858763, MONDO:0011400, OMIM 604145.

Allele frequency attached by ClinVar (database versions not stated): ExAC 0.00006; gnomAD 0.00006 and 0.00007; TOPMed 0.00007.
gnomAD v4.1: 87 of 1,613,806 alleles (0.0054%); highest among the groups gnomAD compares: South Asian, 0.019%; no homozygotes.

Submissions (12):

Molecular Diagnostic Laboratory for Inherited Cardiovascular Disease, Montreal Heart Institute
Classification: Likely benign. Last evaluated: 2026-03-27. Review status: criteria provided, single submitter. Criteria: ACMG Guidelines, 2015. Collection method: clinical testing. Allele origin: germline. Affected: no.

Revvity Omics, Revvity
Classification: Uncertain significance. Last evaluated: 2024-02-07. Review status: criteria provided, single submitter. Criteria: ACMG Guidelines, 2015. Collection method: clinical testing. Allele origin: germline.

CeGaT Center for Human Genetics Tuebingen
Classification: Uncertain significance. Last evaluated: 2023-11-01. Review status: criteria provided, single submitter. Criteria: CeGaT Center For Human Genetics Tuebingen Variant Classification Criteria Version 2. Collection method: clinical testing. Allele origin: germline. Affected: yes. Observed: 1 variant allele.
Comment: TTN: PM2, BP4

Illumina Laboratory Services, Illumina
Classification: Benign for Myopathy, myofibrillar, 9, with early respiratory failure. Last evaluated: 2018-01-13. Review status: criteria provided, single submitter. Criteria: ICSL Variant Classification Criteria 13 December 2019. Collection method: clinical testing. Allele origin: germline.
Comment: This variant was observed in the ICSL laboratory as part of a predisposition screen in an ostensibly healthy population. It had not been previously curated by ICSL or reported in the Human Gene Mutation Database (HGMD: prior to June 1st, 2018), and was therefore a candidate for classification through an automated scoring system. Utilizing variant allele frequency, disease prevalence and penetrance estimates, and inheritance mode, an automated score was calculated to assess if this variant is too frequent to cause the disease. Based on the score and internal cut-off values, a variant classified as benign is not then subjected to further curation. The score for this variant resulted in a classification of benign for this disease.

Illumina Laboratory Services, Illumina
Classification: Uncertain significance for Dilated cardiomyopathy 1G. Last evaluated: 2018-01-13. Review status: criteria provided, single submitter. Criteria: ICSL Variant Classification Criteria 13 December 2019. Collection method: clinical testing. Allele origin: germline.

Illumina Laboratory Services, Illumina
Classification: Benign for Tibial muscular dystrophy. Last evaluated: 2018-01-13. Review status: criteria provided, single submitter. Criteria: ICSL Variant Classification Criteria 13 December 2019. Collection method: clinical testing. Allele origin: germline.
Comment: the same text as in the submission from Illumina Laboratory Services, Illumina above.

Illumina Laboratory Services, Illumina
Classification: Uncertain significance for Autosomal recessive limb-girdle muscular dystrophy type 2J. Last evaluated: 2018-01-13. Review status: criteria provided, single submitter. Criteria: ICSL Variant Classification Criteria 13 December 2019. Collection method: clinical testing. Allele origin: germline.

Illumina Laboratory Services, Illumina
Classification: Uncertain significance for Early-onset myopathy with fatal cardiomyopathy. Last evaluated: 2018-01-13. Review status: criteria provided, single submitter. Criteria: ICSL Variant Classification Criteria 13 December 2019. Collection method: clinical testing. Allele origin: germline.

Phosphorus, Inc.
Classification: Uncertain significance for Dilated cardiomyopathy 1G. Last evaluated: 2017-08-01. Review status: criteria provided, single submitter. Criteria: ACMG Guidelines, 2015. Collection method: clinical testing. Allele origin: germline. Observed: 1 variant allele.

Phosphorus, Inc.
Classification: Uncertain significance for Autosomal recessive limb-girdle muscular dystrophy type 2J. Last evaluated: 2017-08-01. Review status: criteria provided, single submitter. Criteria: ACMG Guidelines, 2015. Collection method: clinical testing. Allele origin: germline. Observed: 1 variant allele.

Phosphorus, Inc.
Classification: Uncertain significance for Tibial muscular dystrophy. Last evaluated: 2017-08-01. Review status: criteria provided, single submitter. Criteria: ACMG Guidelines, 2015. Collection method: clinical testing. Allele origin: germline. Observed: 1 variant allele.

GeneDx
Classification: Likely benign. Last evaluated: 2017-05-03. Review status: criteria provided, single submitter. Criteria: GeneDx Variant Classification (06012015). Collection method: clinical testing. Allele origin: germline. Affected: yes.
Comment: This variant is considered likely benign or benign based on one or more of the following criteria: it is a conservative change, it occurs at a poorly conserved position in the protein, it is predicted to be benign by multiple in silico algorithms, and/or has population frequency not consistent with disease.

NM_001267550.2(TTN):c.105383C>T (p.Ala35128Val)

Genes: TTN-AS1 (TTN antisense RNA 1; plus strand), TTN (titin; minus strand). Cytogenetic location: 2q31.2.
Variant type: single nucleotide variant.
Coding change: c.105383C>T on transcript NM_001267550.2 (MANE Select); coding-DNA position 105383, C replaced by T.
Protein change: p.Ala35128Val; replaces alanine 35128 with valine.
Molecular consequence: missense variant.
Genome position (GRCh38, 1-based): chr2:178,531,232, G>A on the plus strand (C>T on the coding strand, the complement: TTN is on the minus strand). VCF-style: chr2-178531232-G-A. GRCh37 (hg19) VCF-style: chr2-179395959-G-A.
Other names: c.100460C>T, p.Ala33487Val (NM_001256850.1); c.78188C>T, p.Ala26063Val (NM_003319.4); c.97679C>T, p.Ala32560Val (NM_133378.4); c.78563C>T, p.Ala26188Val (NM_133432.3); c.78764C>T, p.Ala26255Val (NM_133437.4); short protein forms A32560V, A35128V, A33487V, A26063V, A26188V, A26255V.
Identifiers: ClinVar variation 332687 (VCV000332687.31), dbSNP rs758458467, ClinGen allele CA1985269.
Genomic context (GRCh38, chr2:178,531,232, plus strand): 5'-AACCTTGCAGACTCGCCCTCGTAGACGGTCATGGACCGTGGCTTTGTTAGAATTCTTGCT[G>A]CCAAAGTCGTCTTGATCTTTCTGGTTGTGGATTTTTCTTCCAGTGACTTTTCTTCTAATG-3'
Protein context (NP_001254479.2, residues 35118-35138): STTRKIKTTL[Ala35128Val]ARILTKPRSM